The following is an entry in ClinVar:

NM_000038.6(APC):c.578C>G (p.Ala193Gly)

Gene: APC (APC regulator of Wnt signaling pathway; plus strand). Cytogenetic location: 5q22.2.
Variant type: single nucleotide variant.
Coding change: c.578C>G on transcript NM_000038.6 (MANE Select); coding-DNA position 578, C replaced by G.
Protein change: p.Ala193Gly; replaces alanine 193 with glycine.
Molecular consequence: missense variant. On other transcripts: 5 prime UTR variant (1).
Genome position (GRCh38, 1-based): chr5:112,780,836, C>G. VCF-style: chr5-112780836-C-G. GRCh37 (hg19) VCF-style: chr5-112116533-C-G.
Other names: c.578C>G, p.Ala193Gly (NM_001127510.3, NM_001354895.2, NM_001354896.2 and 2 more transcripts); c.608C>G, p.Ala203Gly (NM_001127511.3, NM_001354897.2, NM_001354902.2); c.503C>G, p.Ala168Gly (NM_001354898.2, NM_001354904.2); c.401C>G, p.Ala134Gly (NM_001354900.2, NM_001354901.2, NM_001354905.2); c.-458C>G (NM_001354906.2); short protein forms A193G, A203G, A134G, A168G.
Identifiers: ClinVar variation 579496 (VCV000579496.11), dbSNP rs780403698, ClinGen allele CA16022602.

ClinVar aggregate classification (germline): Uncertain significance. Review status: criteria provided, multiple submitters, no conflicts (2 of 4 stars). 2 submissions from 2 submitters: Uncertain significance (2). Last evaluated 2025-04-17.

Conditions:
Hereditary cancer-predisposing syndrome. Also called: Neoplastic Syndromes, Hereditary; Tumor predisposition; Hereditary neoplastic syndrome; Hereditary Cancer Syndrome. Identifiers: Orphanet 140162, MedGen C0027672, MeSH D009386, MONDO:0015356.
Familial adenomatous polyposis 1 (FAP1). Also called: FAMILIAL ADENOMATOUS POLYPOSIS 1, ATTENUATED; POLYPOSIS, ADENOMATOUS INTESTINAL. Identifiers: MedGen C2713442, MONDO:0021056, OMIM 175100. Disease mechanism: loss of function.

Submissions (2):

Labcorp Genetics (formerly Invitae), Labcorp
Classification: Uncertain significance for Familial adenomatous polyposis 1. Last evaluated: 2025-04-17. Review status: criteria provided, single submitter. Criteria: Invitae Variant Classification Sherloc (09022015). Collection method: clinical testing. Allele origin: germline.
Comment: This sequence change replaces alanine, which is neutral and non-polar, with glycine, which is neutral and non-polar, at codon 193 of the APC protein (p.Ala193Gly). This variant is not present in population databases (gnomAD no frequency). This variant has not been reported in the literature in individuals affected with APC-related conditions. ClinVar contains an entry for this variant (Variation ID: 579496). Invitae Evidence Modeling of protein sequence and biophysical properties (such as structural, functional, and spatial information, amino acid conservation, physicochemical variation, residue mobility, and thermodynamic stability) indicates that this missense variant is not expected to disrupt APC protein function with a negative predictive value of 95%. In summary, the available evidence is currently insufficient to determine the role of this variant in disease. Therefore, it has been classified as a Variant of Uncertain Significance.

Ambry Genetics
Classification: Uncertain significance for Hereditary cancer-predisposing syndrome. Last evaluated: 2025-02-03. Review status: criteria provided, single submitter. Criteria: Ambry Variant Classification Scheme 2023. Collection method: clinical testing. Allele origin: germline.
Comment: The p.A193G variant (also known as c.578C>G), located in coding exon 5 of the APC gene, results from a C to G substitution at nucleotide position 578. The alanine at codon 193 is replaced by glycine, an amino acid with similar properties. This amino acid position is conserved. In addition, in silico predictors for this gene do not accurately predict pathogenicity. Based on the available evidence, the clinical significance of this variant remains unclear.